The following is an entry in ClinVar:

NM_000179.3(MSH6):c.225G>A (p.Gly75=)

Gene: MSH6 (mutS homolog 6; plus strand). Cytogenetic location: 2p16.3.
Variant type: single nucleotide variant.
Coding change: c.225G>A on transcript NM_000179.3 (MANE Select); coding-DNA position 225, G replaced by A.
Protein change: p.Gly75=; no amino-acid change (glycine 75 retained).
Molecular consequence: synonymous variant. On other transcripts: 5 prime UTR variant (1).
Genome position (GRCh38, 1-based): chr2:47,783,458, G>A. VCF-style: chr2-47783458-G-A. GRCh37 (hg19) VCF-style: chr2-48010597-G-A.
Other names: c.225G>A, p.Gly75= (NM_001281492.2); c.-512G>A (NM_001281493.2).
Identifiers: ClinVar variation 185622 (VCV000185622.63), dbSNP rs786202321, ClinGen allele CA009914.

ClinVar aggregate classification (germline): Benign/Likely benign. Review status: criteria provided, multiple submitters, no conflicts (2 of 4 stars). 8 submissions from 8 submitters: Benign (1); Likely benign (7). Last evaluated 2025-05-27.

Conditions:
Hereditary nonpolyposis colorectal neoplasms. Identifiers: MedGen C0009405, MeSH D003123.
Hereditary cancer-predisposing syndrome. Also called: Tumor predisposition; Neoplastic Syndromes, Hereditary; Hereditary neoplastic syndrome; Hereditary Cancer Syndrome. Identifiers: Orphanet 140162, MedGen C0027672, MeSH D009386, MONDO:0015356.
Lynch syndrome. Identifiers: Orphanet 144, MedGen C4552100, MONDO:0005835. Disease mechanism: loss of function.
Lynch syndrome 5 (LYNCH5). Also called: Colorectal cancer, hereditary nonpolyposis, type 5; Hereditary non-polyposis colorectal cancer, type 5. Identifiers: Orphanet 144, MedGen C1833477, MONDO:0013710, OMIM 614350. Disease mechanism: loss of function.

Allele frequency attached by ClinVar (database versions not stated): TOPMed below 0.00001; gnomAD exomes 0.00001.
gnomAD v4.1: 11 of 1,466,434 alleles (0.00075%); highest among the groups gnomAD compares: African/African-American, 0.0029%; no homozygotes.

Submissions (8):

Labcorp Genetics (formerly Invitae), Labcorp
Classification: Likely benign for Hereditary nonpolyposis colorectal neoplasms. Last evaluated: 2025-05-27. Review status: criteria provided, single submitter. Criteria: Invitae Variant Classification Sherloc (09022015). Collection method: clinical testing. Allele origin: germline.

Center for Genomic Medicine, Rigshospitalet, Copenhagen University Hospital
Classification: Likely benign. Last evaluated: 2025-03-04. Review status: criteria provided, single submitter. Criteria: ACMG Guidelines, 2015. Collection method: clinical testing. Allele origin: germline.

Myriad Genetics, Inc.
Classification: Benign for Lynch syndrome 5. Last evaluated: 2024-12-17. Review status: criteria provided, single submitter. Criteria: Myriad Autosomal Dominant, Autosomal Recessive and X-Linked Classification Criteria (2023). Collection method: clinical testing. Allele origin: unknown.
Comment: This variant is considered benign. This variant is a silent/synonymous amino acid change and it is not expected to impact splicing.

All of Us Research Program, National Institutes of Health
Classification: Likely benign for Lynch syndrome. Last evaluated: 2023-08-15. Review status: criteria provided, single submitter. Criteria: ACMG Guidelines, 2015. Collection method: clinical testing. Allele origin: germline. Inheritance: Autosomal dominant inheritance. Observed: 2 variant alleles, 2 heterozygotes.
Comment: This study involves interpretation of variants in research participants for the purpose of population health screening. Participant phenotype was not available at the time of variant classification. Additional details can be found in publication PMID: 35346344, PMCID: PMC8962531

Blueprint Genetics
Classification: Likely benign. Last evaluated: 2023-06-29. Review status: criteria provided, single submitter. Criteria: ACMG Guidelines, 2015. Collection method: clinical testing. Allele origin: germline.

Color Diagnostics, LLC DBA Color Health
Classification: Likely benign for Hereditary cancer-predisposing syndrome. Last evaluated: 2022-02-23. Review status: criteria provided, single submitter. Criteria: ACMG Guidelines, 2015. Collection method: clinical testing. Allele origin: germline.

GeneDx
Classification: Likely benign. Last evaluated: 2021-01-19. Review status: criteria provided, single submitter. Criteria: GeneDx Variant Classification Process June 2021. Collection method: clinical testing. Allele origin: germline. Affected: yes.

Ambry Genetics
Classification: Likely benign for Hereditary cancer-predisposing syndrome. Last evaluated: 2014-07-24. Review status: criteria provided, single submitter. Criteria: Ambry Variant Classification Scheme 2023. Collection method: clinical testing. Allele origin: germline.